The following is an entry in ClinVar:

NM_000784.4(CYP27A1):c.355del (p.Arg119fs)

Gene: CYP27A1 (cytochrome P450 family 27 subfamily A member 1; plus strand). Cytogenetic location: 2q35.
Variant type: Deletion.
Coding change: c.355del on transcript NM_000784.4 (MANE Select); coding-DNA position 355, one base deleted (C; older notation c.355delC).
Protein change: p.Arg119fs; shifts the reading frame from arginine 119.
Molecular consequence: frameshift variant.
Genome position (GRCh38, 1-based): chr2:218,809,676, C deleted. VCF-style (leftmost placement, unchanged base first): chr2-218809675-GC-G. GRCh37 (hg19) VCF-style: chr2-219674398-GC-G.
Other names: c.355delC; c.355delC (NM_000784.4, NM_000784.3); short protein forms R119fs.
Identifiers: ClinVar variation 65861 (VCV000065861.5), dbSNP rs587778793, ClinGen allele CA345191.

ClinVar aggregate classification (germline): Likely pathogenic. Review status: criteria provided, single submitter (1 of 4 stars). 2 submissions from 2 submitters: Likely pathogenic (1). 1 of the submissions does not count toward it. Last evaluated 2025-09-09.

Conditions:
CYP27A1-related disorder. Also called: CYP27A1-related condition.
Cholestanol storage disease (CTX). Also called: CEREBRAL CHOLESTERINOSIS; Cerebrotendinous Xanthomatosis; CTX: Cerebrotendinous xanthomatosis. Identifiers: Orphanet 909, MedGen C0238052, MONDO:0008948, OMIM 213700.

Allele frequency attached by ClinVar (database versions not stated): gnomAD 0.00001.

Submissions (2):

PreventionGenetics, part of Exact Sciences
Classification: Likely pathogenic for CYP27A1-related condition. Last evaluated: 2025-09-09. Review status: criteria provided, single submitter. Criteria: ACMG Guidelines, 2015. Collection method: clinical testing. Allele origin: germline.
Comment: The CYP27A1 c.355delC variant is predicted to result in a frameshift and premature protein termination (p.Arg119Glyfs*24). This variant was reported as founder variant in Israeli Druze population identified in an twenty individuals with cerebrotendinous xanthomatosis (Falik-Zaccai. 2008. PubMed ID: 19092443; as delC376, Leitersdorf et al. 1994. PubMed ID: 7977352) and is reported as pathogenic variant in GeneReviews. This variant has not been reported in a large population database (gnomAD), indicating this variant is rare. Frameshift variants in CYP27A1 are expected to be pathogenic. This variant is interpreted as likely pathogenic.

GeneReviews
No classification provided. Condition: Cholestanol storage disease. Review status: no classification provided. Collection method: literature only. Allele origin: germline. Not counted in ClinVar's aggregate classification.

Literature cited by the submitters: PubMed 2019602 (cited by GeneReviews); NCBI Bookshelf NBK1409 (cited by GeneReviews).